The following is an entry in ClinVar:

ClinVar aggregate classification (germline): Uncertain significance (1 of 4 stars; one submission).

gnomAD v4.1: 4 of 1,613,696 alleles (0.00025%); highest among the groups gnomAD compares: Non-Finnish European, 0.00025%; no homozygotes.

Submission:

GeneDx
Classification: Uncertain significance. Last evaluated: 2024-08-23. Review status: criteria provided, single submitter. Criteria: GeneDx Variant Classification Process June 2021. Collection method: clinical testing. Allele origin: germline. Affected: yes.
Comment: Not observed at significant frequency in large population cohorts (gnomAD); In silico analysis supports that this missense variant has a deleterious effect on protein structure/function; Has not been previously published as pathogenic or benign to our knowledge

NM_153676.4(USH1C):c.1403T>G (p.Leu468Arg)

Gene: USH1C (USH1 protein network component harmonin; minus strand). Cytogenetic location: 11p15.1.
Variant type: single nucleotide variant.
Coding change: c.1403T>G on transcript NM_153676.4 (MANE Select); coding-DNA position 1403, T replaced by G.
Protein change: p.Leu468Arg; replaces leucine 468 with arginine.
Molecular consequence: missense variant. On other transcripts: intron variant (2).
Genome position (GRCh38, 1-based): chr11:17,511,912, A>C on the plus strand (T>G on the coding strand, the complement: USH1C is on the minus strand). VCF-style: chr11-17511912-A-C. GRCh37 (hg19) VCF-style: chr11-17533459-A-C.
Other names: c.1227+5489T>G (NM_001297764.2); c.1284+5489T>G (NM_005709.4); short protein forms L468R.
Identifiers: ClinVar variation 3764107 (VCV003764107.1).